The following is an entry in ClinVar:

NM_016169.4(SUFU):c.1345G>A (p.Asp449Asn)

Gene: SUFU (SUFU negative regulator of hedgehog signaling; plus strand). Cytogenetic location: 10q24.32.
Variant type: single nucleotide variant.
Coding change: c.1345G>A on transcript NM_016169.4 (MANE Select); coding-DNA position 1345, G replaced by A.
Protein change: p.Asp449Asn; replaces aspartic acid 449 with asparagine.
Molecular consequence: missense variant.
Genome position (GRCh38, 1-based): chr10:102,627,223, G>A. VCF-style: chr10-102627223-G-A. GRCh37 (hg19) VCF-style: chr10-104386980-G-A.
Other names: short protein forms D449N.
Identifiers: ClinVar variation 3384292 (VCV003384292.6).

ClinVar aggregate classification (germline): Uncertain significance. Review status: criteria provided, multiple submitters, no conflicts (2 of 4 stars). 3 submissions from 3 submitters: Uncertain significance (3). Last evaluated 2026-09-16.

Conditions:
Hereditary cancer-predisposing syndrome. Also called: Tumor predisposition; Hereditary Cancer Syndrome; Hereditary neoplastic syndrome; Neoplastic Syndromes, Hereditary. Identifiers: Orphanet 140162, MedGen C0027672, MeSH D009386, MONDO:0015356.
Gorlin syndrome. Also called: Basal cell nevus syndrome; Nevoid Basal Cell Carcinoma Syndrome. Identifiers: Orphanet 377, MedGen C0004779, MONDO:0007187.
Medulloblastoma (MDB). Also called: MEDULLOBLASTOMA PREDISPOSITION SYNDROME; Medulloblastoma, somatic. Identifiers: Orphanet 616, MedGen C0025149, MeSH D008527, MONDO:0007959, OMIM 155255, HP:0002885.

gnomAD v4.1: 1 of 1,614,256 alleles (0.000062%); highest among the groups gnomAD compares: Non-Finnish European, 0.000085%; no homozygotes.

Submissions (3):

GeneDx
Classification: Uncertain significance. Last evaluated: 2026-09-16. Review status: criteria provided, single submitter. Criteria: GeneDx Variant Classification Process June 2021. Collection method: clinical testing. Allele origin: germline.
Comment: Not observed at significant frequency in large population cohorts (gnomAD); In silico analysis suggests that this missense variant does not alter protein structure/function; Has not been previously published as pathogenic or benign to our knowledge; This variant is associated with the following publications: (PMID: 12426310)

Ambry Genetics
Classification: Uncertain significance for Hereditary cancer-predisposing syndrome. Last evaluated: 2026-07-07. Review status: criteria provided, single submitter. Criteria: Ambry Variant Classification Scheme 2023. Collection method: clinical testing. Allele origin: germline.
Comment: The p.D449N variant (also known as c.1345G>A), located in coding exon 11 of the SUFU gene, results from a G to A substitution at nucleotide position 1345. The aspartic acid at codon 449 is replaced by asparagine, an amino acid with highly similar properties. This amino acid position is conserved. In addition, this alteration is predicted to be tolerated by in silico analysis. Based on the available evidence, the clinical significance of this variant remains unclear.

Labcorp Genetics (formerly Invitae), Labcorp
Classification: Uncertain significance for Gorlin syndrome; Medulloblastoma. Last evaluated: 2025-08-05. Review status: criteria provided, single submitter. Criteria: Invitae Variant Classification Sherloc (09022015). Collection method: clinical testing. Allele origin: germline.
Comment: This sequence change replaces aspartic acid, which is acidic and polar, with asparagine, which is neutral and polar, at codon 449 of the SUFU protein (p.Asp449Asn). This variant is not present in population databases (gnomAD no frequency). This variant has not been reported in the literature in individuals affected with SUFU-related conditions. ClinVar contains an entry for this variant (Variation ID: 3384292). Invitae Evidence Modeling of protein sequence and biophysical properties (such as structural, functional, and spatial information, amino acid conservation, physicochemical variation, residue mobility, and thermodynamic stability) indicates that this missense variant is not expected to disrupt SUFU protein function with a negative predictive value of 80%. In summary, the available evidence is currently insufficient to determine the role of this variant in disease. Therefore, it has been classified as a Variant of Uncertain Significance.